The following is an entry in ClinVar:

NM_004998.4(MYO1E):c.3094A>C (p.Thr1032Pro)

Genes: MYO1E (myosin IE; minus strand), LOC112272600 (Sharpr-MPRA regulatory region 4265; plus strand). Cytogenetic location: 15q22.2.
Variant type: single nucleotide variant.
Coding change: c.3094A>C on transcript NM_004998.4 (MANE Select); coding-DNA position 3094, A replaced by C.
Protein change: p.Thr1032Pro; replaces threonine 1032 with proline.
Molecular consequence: missense variant.
Genome position (GRCh38, 1-based): chr15:59,138,354, T>G on the plus strand (A>C on the coding strand, the complement: MYO1E is on the minus strand). VCF-style: chr15-59138354-T-G. GRCh37 (hg19) VCF-style: chr15-59430553-T-G.
Other names: short protein forms T1032P.
Identifiers: ClinVar variation 3163619 (VCV003163619.2), dbSNP rs200544334, ClinGen allele CA7589008.

ClinVar aggregate classification (germline): Uncertain significance. Review status: criteria provided, multiple submitters, no conflicts (2 of 4 stars). 2 submissions from 2 submitters: Uncertain significance (2). Last evaluated 2025-10-09.

Conditions:
Inborn genetic diseases. Identifiers: MedGen C0950123, MeSH D030342.

Allele frequency attached by ClinVar (database versions not stated): ExAC 0.00001; gnomAD exomes 0.00002; gnomAD 0.00003; TOPMed 0.00003.
gnomAD v4.1: 33 of 1,613,904 alleles (0.002%); highest among the groups gnomAD compares: Non-Finnish European, 0.0024%; no homozygotes.

Submissions (2):

Labcorp Genetics (formerly Invitae), Labcorp
Classification: Uncertain significance. Last evaluated: 2025-10-09. Review status: criteria provided, single submitter. Criteria: Invitae Variant Classification Sherloc (09022015). Collection method: clinical testing. Allele origin: germline.
Comment: This sequence change replaces threonine, which is neutral and polar, with proline, which is neutral and non-polar, at codon 1032 of the MYO1E protein (p.Thr1032Pro). This variant is present in population databases (rs200544334, gnomAD 0.003%). This variant has not been reported in the literature in individuals affected with MYO1E-related conditions. ClinVar contains an entry for this variant (Variation ID: 3163619). An algorithm developed to predict the effect of missense changes on protein structure and function (PolyPhen-2) suggests that this variant is likely to be tolerated. In summary, the available evidence is currently insufficient to determine the role of this variant in disease. Therefore, it has been classified as a Variant of Uncertain Significance.

Ambry Genetics
Classification: Uncertain significance for Inborn genetic diseases. Last evaluated: 2024-02-28. Review status: criteria provided, single submitter. Criteria: Ambry Variant Classification Scheme 2023. Collection method: clinical testing. Allele origin: germline.